The following is an entry in ClinVar:

NM_016169.4(SUFU):c.1349T>C (p.Leu450Ser)

Gene: SUFU (SUFU negative regulator of hedgehog signaling; plus strand). Cytogenetic location: 10q24.32.
Variant type: single nucleotide variant.
Coding change: c.1349T>C on transcript NM_016169.4 (MANE Select); coding-DNA position 1349, T replaced by C.
Protein change: p.Leu450Ser; replaces leucine 450 with serine.
Molecular consequence: missense variant.
Genome position (GRCh38, 1-based): chr10:102,627,227, T>C. VCF-style: chr10-102627227-T-C. GRCh37 (hg19) VCF-style: chr10-104386984-T-C.
Other names: short protein forms L450S.
Identifiers: ClinVar variation 5030362 (VCV005030362.1).

ClinVar aggregate classification (germline): Uncertain significance (1 of 4 stars; one submission).

Conditions:
Hereditary cancer-predisposing syndrome. Also called: Neoplastic Syndromes, Hereditary; Tumor predisposition; Hereditary neoplastic syndrome; Hereditary Cancer Syndrome. Identifiers: Orphanet 140162, MedGen C0027672, MeSH D009386, MONDO:0015356.

Submission:

Ambry Genetics
Classification: Uncertain significance for Hereditary cancer-predisposing syndrome. Last evaluated: 2026-07-06. Review status: criteria provided, single submitter. Criteria: Ambry Variant Classification Scheme 2023. Collection method: clinical testing. Allele origin: germline.
Comment: The p.L450S variant (also known as c.1349T>C), located in coding exon 11 of the SUFU gene, results from a T to C substitution at nucleotide position 1349. The leucine at codon 450 is replaced by serine, an amino acid with dissimilar properties. This amino acid position is conserved. In addition, this alteration is predicted to be deleterious by in silico analysis. Based on the available evidence, the clinical significance of this variant remains unclear.